The following is an entry in ClinVar:

NM_173494.2(DNAAF6):c.620_621del (p.Glu207fs)

Gene: DNAAF6 (dynein axonemal assembly factor 6; plus strand). Cytogenetic location: Xq22.3.
Variant type: Microsatellite.
Coding change: c.620_621del on transcript NM_173494.2 (MANE Select); coding-DNA positions 620 to 621, 2 bases deleted (AG; older notation c.620_621delAG).
Protein change: p.Glu207fs; shifts the reading frame from glutamic acid 207.
Molecular consequence: frameshift variant.
Genome position (GRCh38, 1-based): chrX:107,243,273-107,243,274, AG deleted; deleting any 2 consecutive bases within chrX:107,243,269-107,243,274 gives the same sequence; the c. name uses the placement nearest the transcript's 3' end. VCF-style (leftmost placement, unchanged base first): chrX-107243268-AAG-A. GRCh37 (hg19) VCF-style: chrX-106486498-AAG-A.
Other names: c.620_621del, p.Glu207fs (NM_001169154.2); short protein forms E207fs.
Identifiers: ClinVar variation 3638521 (VCV003638521.2).
Genomic context (GRCh38, chrX:107,243,268, plus strand): 5'-CAGTGCCAAAGCATTCTATATCCCAGAGACTGAAACTCTTGAAATCACTATGACTATGAA[AAG>A]AGAGTTAGATATTGCTAATTTCTTCTGAAACTGCATGAAAAAGATAAAAAGTAGTAAAAT-3'

ClinVar aggregate classification (germline): Uncertain significance (1 of 4 stars; one submission).

Submission:

Labcorp Genetics (formerly Invitae), Labcorp
Classification: Uncertain significance. Last evaluated: 2025-11-20. Review status: criteria provided, single submitter. Criteria: Invitae Variant Classification Sherloc (09022015). Collection method: clinical testing. Allele origin: germline.
Comment: This sequence change creates a premature translational stop signal (p.Glu207Valfs*5) in the PIH1D3 gene. While this is not anticipated to result in nonsense mediated decay, it is expected to disrupt the last 8 amino acid(s) of the PIH1D3 protein. This variant is not present in population databases (gnomAD no frequency). This variant has not been reported in the literature in individuals affected with PIH1D3-related conditions. In summary, the available evidence is currently insufficient to determine the role of this variant in disease. Therefore, it has been classified as a Variant of Uncertain Significance.